The following is an entry in ClinVar:

ClinVar aggregate classification (germline): Uncertain significance. Review status: criteria provided, multiple submitters, no conflicts (2 of 4 stars). 2 submissions from 2 submitters: Uncertain significance (2). Last evaluated 2024-07-04.

Conditions:
Spastic paraplegia. Identifiers: MedGen C0037772, HP:0001258.

Allele frequency attached by ClinVar (database versions not stated): gnomAD 0.00001; ExAC 0.00002; gnomAD exomes 0.00002; TOPMed 0.00002.
gnomAD v4.1: 36 of 1,614,006 alleles (0.0022%); highest among the groups gnomAD compares: East Asian, 0.0045%; no homozygotes.

Submissions (2):

Blueprint Genetics
Classification: Uncertain significance. Last evaluated: 2024-07-04. Review status: criteria provided, single submitter. Criteria: ACMG Guidelines, 2015. Collection method: clinical testing. Allele origin: germline.

Labcorp Genetics (formerly Invitae), Labcorp
Classification: Uncertain significance for Spastic paraplegia. Last evaluated: 2022-06-13. Review status: criteria provided, single submitter. Criteria: Invitae Variant Classification Sherloc (09022015). Collection method: clinical testing. Allele origin: germline.
Comment: This sequence change replaces arginine, which is basic and polar, with histidine, which is basic and polar, at codon 762 of the ZFYVE26 protein (p.Arg762His). This variant is present in population databases (rs745706908, gnomAD 0.006%). This variant has not been reported in the literature in individuals affected with ZFYVE26-related conditions. Algorithms developed to predict the effect of missense changes on protein structure and function (SIFT, PolyPhen-2, Align-GVGD) all suggest that this variant is likely to be tolerated. In summary, the available evidence is currently insufficient to determine the role of this variant in disease. Therefore, it has been classified as a Variant of Uncertain Significance.

NM_015346.4(ZFYVE26):c.2285G>A (p.Arg762His)

Gene: ZFYVE26 (zinc finger FYVE-type containing 26; minus strand). Cytogenetic location: 14q24.1.
Variant type: single nucleotide variant.
Coding change: c.2285G>A on transcript NM_015346.4 (MANE Select); coding-DNA position 2285, G replaced by A.
Protein change: p.Arg762His; replaces arginine 762 with histidine.
Molecular consequence: missense variant.
Genome position (GRCh38, 1-based): chr14:67,797,719, C>T on the plus strand (G>A on the coding strand, the complement: ZFYVE26 is on the minus strand). VCF-style: chr14-67797719-C-T. GRCh37 (hg19) VCF-style: chr14-68264436-C-T.
Other names: short protein forms R762H.
Identifiers: ClinVar variation 1953558 (VCV001953558.3), dbSNP rs745706908, ClinGen allele CA7240349.
Genomic context (GRCh38, chr14:67,797,719, plus strand): 5'-CTCTTCAGATTACCTGCCTGGCTCCTTCTTGTCCGACGACCCCGGCGGAGACTGGGGTGA[C>T]GTGTGGCAGGCTGGTATCTTCGGGAAGGTTGCTCCTCTGAAAGAGCAAACCCAATGGGAC-3'
Protein context (NP_056161.2, residues 752-772): QPSRRYQPAT[Arg762His]HPSLRRGRRT